The following is an entry in ClinVar:

NM_001100.4(ACTA1):c.809-10C>A

Gene: ACTA1 (actin alpha 1, skeletal muscle; minus strand). Cytogenetic location: 1q42.13.
Variant type: single nucleotide variant.
Coding change: c.809-10C>A on transcript NM_001100.4 (MANE Select); 10 bases into the intron before coding-DNA position 809, C replaced by A.
Molecular consequence: intron variant.
Genome position (GRCh38, 1-based): chr1:229,431,912, G>T on the plus strand (C>A on the coding strand, the complement: ACTA1 is on the minus strand). VCF-style: chr1-229431912-G-T. GRCh37 (hg19) VCF-style: chr1-229567659-G-T.
Identifiers: ClinVar variation 862818 (VCV000862818.11), dbSNP rs1659945481, ClinGen allele CA916081297.

ClinVar aggregate classification (germline): Conflicting classifications of pathogenicity. Review status: criteria provided, conflicting classifications (1 of 4 stars). 2 submissions from 2 submitters: Likely pathogenic (1); Uncertain significance (1). Last evaluated 2024-10-29.

Conditions:
Actin accumulation myopathy (CMYO2A). Also called: CONGENITAL MYOPATHY 2A, TYPICAL, AUTOSOMAL DOMINANT; Myopathy, actin, congenital, with cores; Nemaline myopathy 3, with intranuclear rods; Nemaline myopathy type 3; Myopathy, actin, congenital, with excess of thin myofilaments. Identifiers: Orphanet 98904, MedGen C3711389, MONDO:0008070, OMIM 161800.

Submissions (2):

Institute for Genomic Medicine, Nationwide Children's Hospital
Classification: Likely pathogenic for Actin accumulation myopathy. Last evaluated: 2024-10-29. Review status: criteria provided, single submitter. Criteria: ACMG Guidelines, 2015. Collection method: research. Allele origin: paternal. Inheritance: Autosomal dominant inheritance. Affected: yes. Observed: 2 variant alleles.
Comment: It is absent from public databases of genetic variation (gnomADv4.1, RGC-ME, and All Of Us), making it extremely rare. The variant alters a highly conserved base and is predicted to create a cryptic splice acceptor site by SpliceAI and Pangolin with high scores (0.61). RNA-seq of muscle biopsy tissue from both individuals demonstrated intron 5 retention in 20-25% of transcripts associated with the alternate allele. We interpret this variant as Likely Pathogenic.

Labcorp Genetics (formerly Invitae), Labcorp
Classification: Uncertain significance for Actin accumulation myopathy. Last evaluated: 2020-01-22. Review status: criteria provided, single submitter. Criteria: Invitae Variant Classification Sherloc (09022015). Collection method: clinical testing. Allele origin: germline.
Comment: In summary, the available evidence is currently insufficient to determine the role of this variant in disease. Therefore, it has been classified as a Variant of Uncertain Significance. Algorithms developed to predict the effect of sequence changes on RNA splicing suggest that this variant may disrupt the consensus splice site, but this prediction has not been confirmed by published transcriptional studies. This variant has been observed in individual(s) with clinical features of congenital myopathy (Invitae). This variant is not present in population databases (ExAC no frequency). This sequence change falls in intron 5 of the ACTA1 gene. It does not directly change the encoded amino acid sequence of the ACTA1 protein.

Literature cited by the submitters: PubMed 19562689 (cited by Institute for Genomic Medicine, Nationwide Children's Hospital).